The following is an entry in ClinVar:

NM_147127.5(EVC2):c.1888G>A (p.Ala630Thr)

Gene: EVC2 (EvC ciliary complex subunit 2; minus strand). Cytogenetic location: 4p16.2.
Variant type: single nucleotide variant.
Coding change: c.1888G>A on transcript NM_147127.5 (MANE Select); coding-DNA position 1888, G replaced by A.
Protein change: p.Ala630Thr; replaces alanine 630 with threonine.
Molecular consequence: missense variant.
Genome position (GRCh38, 1-based): chr4:5,625,907, C>T on the plus strand (G>A on the coding strand, the complement: EVC2 is on the minus strand). VCF-style: chr4-5625907-C-T. GRCh37 (hg19) VCF-style: chr4-5627634-C-T.
Other names: c.1648G>A, p.Ala550Thr (NM_001166136.2); short protein forms A630T, A550T.
Identifiers: ClinVar variation 2186122 (VCV002186122.1), dbSNP rs200140401, ClinGen allele CA2834890.
Genomic context (GRCh38, chr4:5,625,907, plus strand): 5'-AGACTTCTGTCTGAGCCCGCTCCAATAGCATTTCCATTTGGTCTTCATCCAGGTACCCTG[C>T]TCTAGATGGAAAGGATGTAAAGTTAGGAATGTGGTCTCCAAACTCACCTGTAGCTTAACT-3'
Protein context (NP_667338.3, residues 620-640): LTHLIQKHER[Ala630Thr]GYLDEDQMEM

ClinVar aggregate classification (germline): Uncertain significance (1 of 4 stars; one submission).

Conditions:
Ellis-van Creveld syndrome (EVC). Also called: EVC-Related Ellis-van Creveld Syndrome; EVC2-Related Ellis-van Creveld Syndrome; Chondroectodermal dysplasia; MESOECTODERMAL DYSPLASIA. Identifiers: Orphanet 289, MedGen C0013903, MONDO:0009162, OMIM 225500.
Curry-Hall syndrome (WAD). Also called: WEYERS ACRODENTAL DYSOSTOSIS. Identifiers: Orphanet 952, MedGen C0457013, MONDO:0008673, OMIM 193530.

Allele frequency attached by ClinVar (database versions not stated): TOPMed 0.00012; gnomAD exomes 0.00013; gnomAD 0.00014; ExAC 0.00016; 1000 Genomes Project 30x 0.00031; 1000 Genomes Project 0.00040.
gnomAD v4.1: 214 of 1,613,916 alleles (0.013%); highest among the groups gnomAD compares: East Asian, 0.24%; 1 homozygote.

Submission:

Labcorp Genetics (formerly Invitae), Labcorp
Classification: Uncertain significance for Curry-Hall syndrome; Ellis-van Creveld syndrome. Last evaluated: 2022-11-02. Review status: criteria provided, single submitter. Criteria: Invitae Variant Classification Sherloc (09022015). Collection method: clinical testing. Allele origin: germline.
Comment: This sequence change replaces alanine, which is neutral and non-polar, with threonine, which is neutral and polar, at codon 630 of the EVC2 protein (p.Ala630Thr). This variant is present in population databases (rs200140401, gnomAD 0.1%). This variant has not been reported in the literature in individuals affected with EVC2-related conditions. Algorithms developed to predict the effect of missense changes on protein structure and function are either unavailable or do not agree on the potential impact of this missense change (SIFT: "Deleterious"; PolyPhen-2: "Probably Damaging"; Align-GVGD: "Class C0"). In summary, the available evidence is currently insufficient to determine the role of this variant in disease. Therefore, it has been classified as a Variant of Uncertain Significance.